The following is an entry in ClinVar:

ClinVar aggregate classification (germline): Benign/Likely benign. Review status: criteria provided, multiple submitters, no conflicts (2 of 4 stars). 5 submissions from 5 submitters: Benign (1); Likely benign (4). Last evaluated 2025-04-10.

Conditions:
Cayman type cerebellar ataxia. Also called: Cayman ataxia. Identifiers: Orphanet 94122, MedGen C1832585, MONDO:0011025, OMIM 601238.

Allele frequency attached by ClinVar (database versions not stated): 1000 Genomes Project 0.00100; 1000 Genomes Project 30x 0.00109; TOPMed 0.00257; gnomAD exomes 0.00292 and 0.00379; gnomAD 0.00310 and 0.00331; ESP Exome Variant Server 0.00360; ExAC 0.00538.
gnomAD v4.1: 5,855 of 1,572,770 alleles (0.37%); highest among the groups gnomAD compares: Non-Finnish European, 0.44%; 17 homozygotes.

Submissions (5):

Mayo Clinic Laboratories, Mayo Clinic
Classification: Likely benign. Last evaluated: 2025-04-10. Review status: criteria provided, single submitter. Criteria: ACMG Guidelines, 2015. Collection method: clinical testing. Allele origin: germline. Observed: 2 variant alleles.
Comment: BP4, BP7

Blueprint Genetics
Classification: Likely benign. Last evaluated: 2024-11-26. Review status: criteria provided, single submitter. Criteria: ACMG Guidelines, 2015. Collection method: clinical testing. Allele origin: germline.

Labcorp Genetics (formerly Invitae), Labcorp
Classification: Benign. Last evaluated: 2019-12-31. Review status: criteria provided, single submitter. Criteria: Invitae Variant Classification Sherloc (09022015). Collection method: clinical testing. Allele origin: germline.

Illumina Laboratory Services, Illumina
Classification: Likely benign for Cayman type cerebellar ataxia. Last evaluated: 2018-01-13. Review status: criteria provided, single submitter. Criteria: ICSL Variant Classification Criteria 13 December 2019. Collection method: clinical testing. Allele origin: germline.
Comment: This variant was observed in the ICSL laboratory as part of a predisposition screen in an ostensibly healthy population. It had not been previously curated by ICSL or reported in the Human Gene Mutation Database (HGMD: prior to June 1st, 2018), and was therefore a candidate for classification through an automated scoring system. Utilizing variant allele frequency, disease prevalence and penetrance estimates, and inheritance mode, an automated score was calculated to assess if this variant is too frequent to cause the disease. Based on the score and internal cut-off values, a variant classified as likely benign is not then subjected to further curation. The score for this variant resulted in a classification of likely benign for this disease.

Breakthrough Genomics
Classification: Likely benign. Review status: criteria provided, single submitter. Criteria: ACMG Guidelines, 2015. Collection method: not provided. Allele origin: germline. Inheritance: Autosomal recessive inheritance. Affected: yes.

NM_033064.5(ATCAY):c.647+10C>T

Gene: ATCAY (ATCAY kinesin light chain interacting caytaxin; plus strand). Cytogenetic location: 19p13.3.
Variant type: single nucleotide variant.
Coding change: c.647+10C>T on transcript NM_033064.5 (MANE Select); 10 bases into the intron after coding-DNA position 647, C replaced by T.
Molecular consequence: intron variant.
Genome position (GRCh38, 1-based): chr19:3,908,380, C>T. VCF-style: chr19-3908380-C-T. GRCh37 (hg19) VCF-style: chr19-3908378-C-T.
Other names: p.?.
Identifiers: ClinVar variation 329148 (VCV000329148.12), dbSNP rs181866005, ClinGen allele CA9087271.